The following is an entry in ClinVar:

ClinVar aggregate classification (germline): Uncertain significance (1 of 4 stars; one submission).

Conditions:
Intellectual developmental disorder, autosomal dominant 68 (MRD68). Also called: MENTAL RETARDATION, AUTOSOMAL DOMINANT 68. Identifiers: MedGen C5677008, MONDO:0030969, OMIM 619934.

Submission:

3billion
Classification: Uncertain significance for Intellectual developmental disorder, autosomal dominant 68. Last evaluated: 2024-08-12. Review status: criteria provided, single submitter. Criteria: ACMG Guidelines, 2015. Collection method: clinical testing. Allele origin: germline. Affected: yes.
Comment: The variant is not observed in the gnomAD v4.0.0 dataset. Predicted Consequence/Location: Missense variant Damaging effect on gene or gene product predicted by in silico programs is uncertain [REVEL: 0.47 (damaging >=0.6, benign <0.4), 3Cnet: 0.02 (damaging >=0.6, benign <0.15)]. Therefore, this variant is classified as VUS according to the recommendation of ACMG/AMP guideline.

NM_014727.3(KMT2B):c.4582C>T (p.Pro1528Ser)

Gene: KMT2B (lysine methyltransferase 2B; plus strand). Cytogenetic location: 19q13.12.
Variant type: single nucleotide variant.
Coding change: c.4582C>T on transcript NM_014727.3 (MANE Select); coding-DNA position 4582, C replaced by T.
Protein change: p.Pro1528Ser; replaces proline 1528 with serine.
Molecular consequence: missense variant.
Genome position (GRCh38, 1-based): chr19:35,728,784, C>T. VCF-style: chr19-35728784-C-T. GRCh37 (hg19) VCF-style: chr19-36219685-C-T.
Other names: short protein forms P1528S.
Identifiers: ClinVar variation 4292293 (VCV004292293.1).